The following is an entry in ClinVar:

ClinVar aggregate classification (germline): Uncertain significance (1 of 4 stars; one submission).

Allele frequency attached by ClinVar (database versions not stated): 1000 Genomes Project 30x 0.00016.
gnomAD v4.1: 2 of 1,614,088 alleles (0.00012%); highest among the groups gnomAD compares: Non-Finnish European, 0.000085%; no homozygotes.

Submission:

Labcorp Genetics (formerly Invitae), Labcorp
Classification: Uncertain significance. Last evaluated: 2022-09-18. Review status: criteria provided, single submitter. Criteria: Invitae Variant Classification Sherloc (09022015). Collection method: clinical testing. Allele origin: germline.
Comment: In summary, the available evidence is currently insufficient to determine the role of this variant in disease. Therefore, it has been classified as a Variant of Uncertain Significance. This variant disrupts the p.Arg168 amino acid residue in PPOX. Other variant(s) that disrupt this residue have been determined to be pathogenic (PMID: 9738863, 10486317, 11173967, 18570668, 19845869, 28653968). This suggests that this residue is clinically significant, and that variants that disrupt this residue are likely to be disease-causing. Advanced modeling of protein sequence and biophysical properties (such as structural, functional, and spatial information, amino acid conservation, physicochemical variation, residue mobility, and thermodynamic stability) performed at Invitae indicates that this missense variant is not expected to disrupt PPOX protein function. ClinVar contains an entry for this variant (Variation ID: 1442541). This missense change has been observed in individual(s) with clinical features of acute hepatic porphyria or variegate porphyria (PMID: 30385147; Invitae). This variant is not present in population databases (gnomAD no frequency). This sequence change replaces arginine, which is basic and polar, with leucine, which is neutral and non-polar, at codon 168 of the PPOX protein (p.Arg168Leu).

Literature cited by the submitters: PubMed 9738863; PubMed 10486317; PubMed 11173967; PubMed 18570668; PubMed 19845869; PubMed 28653968; PubMed 30385147.

NM_001122764.3(PPOX):c.503G>T (p.Arg168Leu)

Gene: PPOX (protoporphyrinogen oxidase; plus strand). Cytogenetic location: 1q23.3.
Variant type: single nucleotide variant.
Coding change: c.503G>T on transcript NM_001122764.3 (MANE Select); coding-DNA position 503, G replaced by T.
Protein change: p.Arg168Leu; replaces arginine 168 with leucine.
Molecular consequence: missense variant.
Genome position (GRCh38, 1-based): chr1:161,168,463, G>T. VCF-style: chr1-161168463-G-T. GRCh37 (hg19) VCF-style: chr1-161138253-G-T.
Other names: c.503G>T, p.Arg168Leu (NM_000309.5, NM_001365398.1, NM_001365399.1); c.404G>T, p.Arg135Leu (NM_001350128.2); c.95G>T, p.Arg32Leu (NM_001350129.2, NM_001365400.1); c.17G>T, p.Arg6Leu (NM_001350130.2, NM_001350131.2, NM_001365401.1); short protein forms R6L, R168L, R135L, R32L.
Identifiers: ClinVar variation 1442541 (VCV001442541.8), dbSNP rs41270025, ClinGen allele CA31633655.